The following is an entry in ClinVar:

ClinVar aggregate classification (germline): Uncertain significance. Review status: criteria provided, multiple submitters, no conflicts (2 of 4 stars). 2 submissions from 2 submitters: Uncertain significance (2). Last evaluated 2025-10-21.

Allele frequency attached by ClinVar (database versions not stated): TOPMed below 0.00001; gnomAD 0.00001; gnomAD exomes 0.00001.
gnomAD v4.1: 10 of 1,557,266 alleles (0.00064%); highest among the groups gnomAD compares: South Asian, 0.0024%; no homozygotes.

Submissions (2):

Ambry Genetics
Classification: Uncertain significance. Last evaluated: 2025-10-21. Review status: criteria provided, single submitter. Criteria: Ambry Variant Classification Scheme 2023. Collection method: clinical testing. Allele origin: germline.

Labcorp Genetics (formerly Invitae), Labcorp
Classification: Uncertain significance. Last evaluated: 2022-09-27. Review status: criteria provided, single submitter. Criteria: Invitae Variant Classification Sherloc (09022015). Collection method: clinical testing. Allele origin: germline.
Comment: This variant has not been reported in the literature in individuals affected with FSCN2-related conditions. In summary, the available evidence is currently insufficient to determine the role of this variant in disease. Therefore, it has been classified as a Variant of Uncertain Significance. Algorithms developed to predict the effect of missense changes on protein structure and function are either unavailable or do not agree on the potential impact of this missense change (SIFT: "Tolerated"; PolyPhen-2: "Possibly Damaging"; Align-GVGD: "Class C0"). ClinVar contains an entry for this variant (Variation ID: 1356109). The frequency data for this variant in the population databases is considered unreliable, as metrics indicate poor data quality at this position in the gnomAD database. This sequence change replaces glycine, which is neutral and non-polar, with serine, which is neutral and polar, at codon 108 of the FSCN2 protein (p.Gly108Ser).

NM_012418.4(FSCN2):c.322G>A (p.Gly108Ser)

Gene: FSCN2 (fascin actin-bundling protein 2, retinal; plus strand). Cytogenetic location: 17q25.3.
Variant type: single nucleotide variant.
Coding change: c.322G>A on transcript NM_012418.4 (MANE Select); coding-DNA position 322, G replaced by A.
Protein change: p.Gly108Ser; replaces glycine 108 with serine.
Molecular consequence: missense variant.
Genome position (GRCh38, 1-based): chr17:81,528,853, G>A. VCF-style: chr17-81528853-G-A. GRCh37 (hg19) VCF-style: chr17-79495879-G-A.
Other names: c.322G>A, p.Gly108Ser (NM_001077182.3); c.322G>A (NM_001077182.2); short protein forms G108S.
Identifiers: ClinVar variation 1356109 (VCV001356109.7), dbSNP rs1272391978, ClinGen allele CA401470534.